The following is an entry in ClinVar:

ClinVar aggregate classification (germline): Pathogenic (1 of 4 stars; one submission).

Conditions:
Autosomal recessive limb-girdle muscular dystrophy. Identifiers: Orphanet 102015, MedGen C2931907, MONDO:0015152.

Submission:

Myriad Genetics, Inc.
Classification: Pathogenic for Autosomal recessive limb-girdle muscular dystrophy. Last evaluated: 2023-09-27. Review status: criteria provided, single submitter. Criteria: Myriad Autosomal Dominant, Autosomal Recessive and X-Linked Classification Criteria (2023). Collection method: clinical testing. Allele origin: unknown.
Comment: NM_003494.3(DYSF):c.401dupC(P135Afs*13) is expected to be pathogenic in the context of dysferlinopathy. This variant is predicted to lead to an abnormal or absent protein product due to the creation of a premature termination codon in DYSF, a gene where loss-of-function variants are known to be pathogenic. Please note: this variant was assessed in the context of healthy population screening.

NM_001130987.2(DYSF):c.404dup (p.Pro136fs)

Gene: DYSF (dysferlin; plus strand). Cytogenetic location: 2p13.2.
Variant type: Duplication.
Coding change: c.404dup on transcript NM_001130987.2 (MANE Select); coding-DNA position 404, one base duplicated (C; older notation c.404dupC).
Protein change: p.Pro136fs; shifts the reading frame from proline 136.
Molecular consequence: frameshift variant.
Genome position (GRCh38, 1-based): chr2:71,511,865, C duplicated; the last of 3 consecutive C bases (chr2:71,511,863-71,511,865); duplicating any one gives the same sequence. VCF-style (leftmost placement, unchanged base first): chr2-71511862-T-TC. GRCh37 (hg19) VCF-style: chr2-71738992-T-TC.
Other names: c.404dup, p.Pro136fs (NM_001130455.2, NM_001130982.2, NM_001130983.2 and 3 more transcripts); c.401dup, p.Pro135fs (NM_001130976.2, NM_001130977.2, NM_001130978.2 and 4 more transcripts); short protein forms P135fs, P136fs.
Identifiers: ClinVar variation 5012312 (VCV005012312.1).
Genomic context (GRCh38, chr2:71,511,862, plus strand): 5'-TCCAGGCCTCGCTGGTCCTGCAGGTGTCCTACACACCGCTGCCTGGAGCTGTGCCCCTGT[T>TC]CCCGCCCCCTACTCCTCTGGAGCCCTCCCCGACTCTGCCTGACCTGGATGTAGTGGCAGG-3'